The following is an entry in ClinVar:

ClinVar aggregate classification (germline): Likely benign. Review status: criteria provided, multiple submitters, no conflicts (2 of 4 stars). 2 submissions from 2 submitters: Likely benign (2). Last evaluated 2025-08-12.

Conditions:
FAT1-related disorder. Also called: FAT1-related condition.

Allele frequency attached by ClinVar (database versions not stated): gnomAD exomes 0.00002; TOPMed 0.00003; gnomAD 0.00005; ESP Exome Variant Server 0.00008; 1000 Genomes Project 30x 0.00031; 1000 Genomes Project 0.00040.
gnomAD v4.1: 41 of 1,613,060 alleles (0.0025%); highest among the groups gnomAD compares: Middle Eastern, 0.017%; no homozygotes.

Submissions (2):

PreventionGenetics, part of Exact Sciences
Classification: Likely benign for FAT1-related condition. Last evaluated: 2025-08-12. Review status: criteria provided, single submitter. Criteria: ACMG Guidelines, 2015. Collection method: clinical testing. Allele origin: germline.
Comment: This variant is classified as likely benign based on ACMG/AMP sequence variant interpretation guidelines (Richards et al. 2015 PMID: 25741868, with internal and published modifications).

Labcorp Genetics (formerly Invitae), Labcorp
Classification: Likely benign. Last evaluated: 2022-10-13. Review status: criteria provided, single submitter. Criteria: Invitae Variant Classification Sherloc (09022015). Collection method: clinical testing. Allele origin: germline.

NM_005245.4(FAT1):c.11517C>T (p.Tyr3839=)

Gene: FAT1 (FAT atypical cadherin 1; minus strand). Cytogenetic location: 4q35.2.
Variant type: single nucleotide variant.
Coding change: c.11517C>T on transcript NM_005245.4 (MANE Select); coding-DNA position 11517, C replaced by T.
Protein change: p.Tyr3839=; no amino-acid change (tyrosine 3839 retained).
Molecular consequence: synonymous variant.
Genome position (GRCh38, 1-based): chr4:186,601,392, G>A on the plus strand (C>T on the coding strand, the complement: FAT1 is on the minus strand). VCF-style: chr4-186601392-G-A. GRCh37 (hg19) VCF-style: chr4-187522546-G-A.
Other names: c.11517C>T (NM_005245.3).
Identifiers: ClinVar variation 2177450 (VCV002177450.5), dbSNP rs201796261, ClinGen allele CA112156490.